The following is an entry in ClinVar:

NM_005732.4(RAD50):c.2298_2303del (p.Asn766_Ile768delinsLys)

Gene: RAD50 (RAD50 double strand break repair protein; plus strand). Cytogenetic location: 5q31.1.
Variant type: Deletion.
Coding change: c.2298_2303del on transcript NM_005732.4 (MANE Select); coding-DNA positions 2298 to 2303, 6 bases deleted (CGACAT; older notation c.2298_2303delCGACAT).
Protein change: p.Asn766_Ile768delinsLys.
Molecular consequence: inframe indel.
Genome position (GRCh38, 1-based): chr5:132,603,390-132,603,395, CGACAT deleted. VCF-style (leftmost placement, unchanged base first): chr5-132603389-ACGACAT-A. GRCh37 (hg19) VCF-style: chr5-131939081-ACGACAT-A.
Identifiers: ClinVar variation 4729501 (VCV004729501.1).

ClinVar aggregate classification (germline): Uncertain significance (1 of 4 stars; one submission).

Conditions:
Hereditary cancer-predisposing syndrome. Also called: Hereditary neoplastic syndrome; Neoplastic Syndromes, Hereditary; Hereditary Cancer Syndrome; Tumor predisposition. Identifiers: Orphanet 140162, MedGen C0027672, MeSH D009386, MONDO:0015356.

Submission:

Labcorp Genetics (formerly Invitae), Labcorp
Classification: Uncertain significance for Hereditary cancer-predisposing syndrome. Last evaluated: 2025-10-19. Review status: criteria provided, single submitter. Criteria: Invitae Variant Classification Sherloc (09022015). Collection method: clinical testing. Allele origin: germline.
Comment: This variant, c.2298_2303del, is a complex sequence change that results in the deletion of 3 and insertion of 1 amino acid(s) in the RAD50 protein (p.Asn766_Ile768delinsLys). This variant is not present in population databases (gnomAD no frequency). This variant has not been reported in the literature in individuals affected with RAD50-related conditions. Experimental studies and prediction algorithms are not available or were not evaluated, and the functional significance of this variant is currently unknown. In summary, the available evidence is currently insufficient to determine the role of this variant in disease. Therefore, it has been classified as a Variant of Uncertain Significance.